The following is an entry in ClinVar:

ClinVar aggregate classification (germline): Uncertain significance (1 of 4 stars; one submission).

Conditions:
Cardiovascular phenotype. Identifiers: MedGen CN230736.

gnomAD v4.1: 3 of 1,613,108 alleles (0.00019%); highest among the groups gnomAD compares: Non-Finnish European, 0.00025%; no homozygotes.

Submission:

Ambry Genetics
Classification: Uncertain significance for Cardiovascular phenotype. Last evaluated: 2025-01-21. Review status: criteria provided, single submitter. Criteria: Ambry Variant Classification Scheme 2023. Collection method: clinical testing. Allele origin: germline.
Comment: The p.I4306V variant (also known as c.12916A>G), located in coding exon 29 of the APOB gene, results from an A to G substitution at nucleotide position 12916. The isoleucine at codon 4306 is replaced by valine, an amino acid with highly similar properties. This amino acid position is conserved. In addition, this alteration is predicted to be tolerated by in silico analysis. Based on the available evidence, the clinical significance of this variant remains unclear.

NM_000384.3(APOB):c.12916A>G (p.Ile4306Val)

Gene: APOB (apolipoprotein B; minus strand). Cytogenetic location: 2p24.1.
Variant type: single nucleotide variant.
Coding change: c.12916A>G on transcript NM_000384.3 (MANE Select); coding-DNA position 12916, A replaced by G.
Protein change: p.Ile4306Val; replaces isoleucine 4306 with valine.
Molecular consequence: missense variant.
Genome position (GRCh38, 1-based): chr2:21,002,506, T>C on the plus strand (A>G on the coding strand, the complement: APOB is on the minus strand). VCF-style: chr2-21002506-T-C. GRCh37 (hg19) VCF-style: chr2-21225378-T-C.
Other names: short protein forms I4306V.
Identifiers: ClinVar variation 3885178 (VCV003885178.1).